The following is an entry in ClinVar:

ClinVar aggregate classification (germline): Conflicting classifications of pathogenicity. Review status: criteria provided, conflicting classifications (1 of 4 stars). 2 submissions from 2 submitters: Uncertain significance (1); Likely benign (1). Last evaluated 2024-03-24.

gnomAD v4.1: 14 of 1,547,498 alleles (0.0009%); highest among the groups gnomAD compares: African/African-American, 0.015%; no homozygotes.

Submissions (2):

Labcorp Genetics (formerly Invitae), Labcorp
Classification: Uncertain significance. Last evaluated: 2024-03-24. Review status: criteria provided, single submitter. Criteria: Invitae Variant Classification Sherloc (09022015). Collection method: clinical testing. Allele origin: germline.
Comment: This sequence change falls in intron 18 of the OTOG gene. It does not directly change the encoded amino acid sequence of the OTOG protein. This variant is present in population databases (rs776393197, gnomAD 0.02%). This variant has not been reported in the literature in individuals affected with OTOG-related conditions. Algorithms developed to predict the effect of sequence changes on RNA splicing suggest that this variant may disrupt the consensus splice site. In summary, the available evidence is currently insufficient to determine the role of this variant in disease. Therefore, it has been classified as a Variant of Uncertain Significance.

Blueprint Genetics
Classification: Likely benign. Last evaluated: 2019-10-15. Review status: criteria provided, single submitter. Criteria: ACMG Guidelines, 2015. Collection method: clinical testing. Allele origin: germline.

NM_001292063.2(OTOG):c.2294-14C>G

Gene: OTOG (otogelin; plus strand). Cytogenetic location: 11p15.1.
Variant type: single nucleotide variant.
Coding change: c.2294-14C>G on transcript NM_001292063.2 (MANE Select); 14 bases into the intron before coding-DNA position 2294, C replaced by G.
Molecular consequence: intron variant.
Genome position (GRCh38, 1-based): chr11:17,574,706, C>G. VCF-style: chr11-17574706-C-G. GRCh37 (hg19) VCF-style: chr11-17596253-C-G.
Other names: c.2330-14C>G (NM_001277269.2).
Identifiers: ClinVar variation 3617857 (VCV003617857.3).
Genomic context (GRCh38, chr11:17,574,706, plus strand): 5'-AGAATGACAGCCCCACTCCACATAACTGTGGGGATGAGGGAGACAAAGCATGCACCACTC[C>G]CCCCTCACTGCAGCACTGTCCTGTGAGGCCTCCAAGGAGTATAGCCCCTGCGTGGCCCCG-3'